The following is an entry in ClinVar:

NM_020937.4(FANCM):c.896C>G (p.Ala299Gly)

Gene: FANCM (FA complementation group M; plus strand). Cytogenetic location: 14q21.2.
Variant type: single nucleotide variant.
Coding change: c.896C>G on transcript NM_020937.4 (MANE Select); coding-DNA position 896, C replaced by G.
Protein change: p.Ala299Gly; replaces alanine 299 with glycine.
Molecular consequence: missense variant.
Genome position (GRCh38, 1-based): chr14:45,148,973, C>G. VCF-style: chr14-45148973-C-G. GRCh37 (hg19) VCF-style: chr14-45618176-C-G.
Other names: c.818C>G, p.Ala273Gly (NM_001308133.2); c.896C>G, p.Ala299Gly (NM_001308134.2); short protein forms A273G, A299G.
Identifiers: ClinVar variation 2506820 (VCV002506820.2), dbSNP rs773392368, ClinGen allele CA7168872.

ClinVar aggregate classification (germline): Uncertain significance. Review status: criteria provided, multiple submitters, no conflicts (2 of 4 stars). 2 submissions from 2 submitters: Uncertain significance (2). Last evaluated 2025-08-09.

Conditions:
Inborn genetic diseases. Identifiers: MedGen C0950123, MeSH D030342.

Allele frequency attached by ClinVar (database versions not stated): ExAC 0.00001.
gnomAD v4.1: 1 of 1,613,616 alleles (0.000062%); no homozygotes.

Submissions (2):

Ambry Genetics
Classification: Uncertain significance for Inborn genetic diseases. Last evaluated: 2025-08-09. Review status: criteria provided, single submitter. Criteria: Ambry Variant Classification Scheme 2023. Collection method: clinical testing. Allele origin: germline.
Comment: The p.A299G variant (also known as c.896C>G), located in coding exon 4 of the FANCM gene, results from a C to G substitution at nucleotide position 896. The alanine at codon 299 is replaced by glycine, an amino acid with similar properties. This amino acid position is conserved. In addition, this alteration is predicted to be tolerated by in silico analysis. Based on the available evidence, the clinical significance of this variant remains unclear.

GeneDx
Classification: Uncertain significance. Last evaluated: 2022-12-20. Review status: criteria provided, single submitter. Criteria: GeneDx Variant Classification Process June 2021. Collection method: clinical testing. Allele origin: germline. Affected: yes.
Comment: Not observed at significant frequency in large population cohorts (gnomAD); In silico analysis supports that this missense variant does not alter protein structure/function; Has not been previously published as pathogenic or benign to our knowledge